The following is an entry in ClinVar:

ClinVar aggregate classification (germline): Conflicting classifications of pathogenicity. Review status: criteria provided, conflicting classifications (1 of 4 stars). 2 submissions from 2 submitters: Uncertain significance (1); Likely benign (1). Last evaluated 2026-01-28.

Conditions:
WIPI2-related disorder. Also called: WIPI2-related condition.

Allele frequency attached by ClinVar (database versions not stated): TOPMed 0.00007; gnomAD 0.00011; ExAC 0.00031; 1000 Genomes Project 30x 0.00078; 1000 Genomes Project 0.00080.

Submissions (2):

PreventionGenetics, part of Exact Sciences
Classification: Likely benign for WIPI2-related condition. Last evaluated: 2026-01-28. Review status: criteria provided, single submitter. Criteria: ACMG Guidelines, 2015. Collection method: clinical testing. Allele origin: germline.
Comment: This variant is classified as likely benign based on ACMG/AMP sequence variant interpretation guidelines (Richards et al. 2015 PMID: 25741868, with internal and published modifications).

Ambry Genetics
Classification: Uncertain significance. Last evaluated: 2021-08-10. Review status: criteria provided, single submitter. Criteria: Ambry Variant Classification Scheme 2023. Collection method: clinical testing. Allele origin: germline.

NM_015610.4(WIPI2):c.76G>A (p.Glu26Lys)

Gene: WIPI2 (WD repeat domain, phosphoinositide interacting 2; plus strand). Cytogenetic location: 7p22.1.
Variant type: single nucleotide variant.
Coding change: c.76G>A on transcript NM_015610.4 (MANE Select); coding-DNA position 76, G replaced by A.
Protein change: p.Glu26Lys; replaces glutamic acid 26 with lysine.
Molecular consequence: missense variant. On other transcripts: 5 prime UTR variant (1), intron variant (2).
Genome position (GRCh38, 1-based): chr7:5,193,119, G>A. VCF-style: chr7-5193119-G-A. GRCh37 (hg19) VCF-style: chr7-5232750-G-A.
Other names: c.76G>A, p.Glu26Lys (NM_001033518.2); c.-531G>A (NM_001278299.2); c.74+2626G>A (NM_016003.4, NM_001033519.2); short protein forms E26K.
Identifiers: ClinVar variation 2349589 (VCV002349589.3), dbSNP rs371661316, ClinGen allele CA4141498.